The following is an entry in ClinVar:

NM_000719.7(CACNA1C):c.3718-14C>G

Gene: CACNA1C (calcium voltage-gated channel subunit alpha1 C; plus strand). Cytogenetic location: 12p13.33.
Variant type: single nucleotide variant.
Coding change: c.3718-14C>G on transcript NM_000719.7 (MANE Select); 14 bases into the intron before coding-DNA position 3718, C replaced by G.
Molecular consequence: intron variant.
Genome position (GRCh38, 1-based): chr12:2,611,889, C>G. VCF-style: chr12-2611889-C-G. GRCh37 (hg19) VCF-style: chr12-2721055-C-G.
Other names: c.3718-14C>G (NM_001167624.3, NM_001167623.2, NM_001167625.2 and 15 more transcripts); c.3778-14C>G (NM_199460.4, NM_001129827.2, NM_001129832.2); c.3709-14C>G (NM_001129844.2).
Identifiers: ClinVar variation 512979 (VCV000512979.6), dbSNP rs1555888662, ClinGen allele CA658797833.
Genomic context (GRCh38, chr12:2,611,889, plus strand): 5'-GGCTGGGCAAAAGGTGGGGAGGAGGAGCGACCTCCCTGCCCCGTGTTCACAGCTCCTCCC[C>G]TCTCCTGATGCAGCACTACGGCCAGAGCTGCCTGTTCAAAATCGCCATGAACATCCTCAA-3'

ClinVar aggregate classification (germline): Likely benign. Review status: criteria provided, multiple submitters, no conflicts (2 of 4 stars). 2 submissions from 2 submitters: Likely benign (2). Last evaluated 2026-01-09.

Conditions:
Long QT syndrome (LQTS). Identifiers: MedGen C0023976, MeSH D008133, MONDO:0002442. Disease mechanism: loss of function. Inheritance: Various modes of inheritance.

Allele frequency attached by ClinVar (database versions not stated): gnomAD exomes 0.00001; TOPMed 0.00001.
gnomAD v4.1: 21 of 1,567,428 alleles (0.0013%); highest among the groups gnomAD compares: Non-Finnish European, 0.0015%; no homozygotes.

Submissions (2):

Labcorp Genetics (formerly Invitae), Labcorp
Classification: Likely benign for Long QT syndrome. Last evaluated: 2026-01-09. Review status: criteria provided, single submitter. Criteria: Invitae Variant Classification Sherloc (09022015). Collection method: clinical testing. Allele origin: germline.

GeneDx
Classification: Likely benign. Last evaluated: 2017-11-03. Review status: criteria provided, single submitter. Criteria: GeneDx Variant Classification (06012015). Collection method: clinical testing. Allele origin: germline. Affected: yes.
Comment: This variant is considered likely benign or benign based on one or more of the following criteria: it is a conservative change, it occurs at a poorly conserved position in the protein, it is predicted to be benign by multiple in silico algorithms, and/or has population frequency not consistent with disease.